The following is an entry in ClinVar:

NM_000503.6(EYA1):c.1013_1016del (p.Ser338fs)

Gene: EYA1 (EYA transcriptional coactivator and phosphatase 1; minus strand). Cytogenetic location: 8q13.3.
Variant type: Deletion.
Coding change: c.1013_1016del on transcript NM_000503.6 (MANE Select); coding-DNA positions 1013 to 1016, 4 bases deleted (CCTT; older notation c.1013_1016delCCTT).
Protein change: p.Ser338fs; shifts the reading frame from serine 338.
Molecular consequence: frameshift variant.
Genome position (GRCh38, 1-based): chr8:71,269,774-71,269,777, AAGG deleted on the plus strand (CCTT on the coding strand, the reverse complement: EYA1 is on the minus strand); deleting any 4 consecutive bases within chr8:71,269,774-71,269,778 gives the same sequence; the c. name uses the placement nearest the transcript's 3' end. VCF-style (leftmost placement, unchanged base first): chr8-71269773-CAAGG-C. GRCh37 (hg19) VCF-style: chr8-72182008-CAAGG-C.
Other names: c.995_998del, p.Ser332fs (NM_001288574.2); c.647_650del, p.Ser216fs (NM_001288575.2); c.1100_1103del, p.Ser367fs (NM_001370333.1); c.1013_1016del, p.Ser338fs (NM_001370334.1, NM_001370335.1, NM_172058.4); c.1082_1085del, p.Ser361fs (NM_001370336.1); c.1085_1088del, p.Ser362fs (NM_172059.5); short protein forms S332fs, S362fs, S367fs, S338fs, S216fs, S361fs.
Identifiers: ClinVar variation 528874 (VCV000528874.8), dbSNP rs1554615536, ClinGen allele CA658797116.

ClinVar aggregate classification (germline): Pathogenic (1 of 4 stars; one submission).

Conditions:
Melnick-Fraser syndrome (BOR). Also called: Branchio-oto-renal syndrome; Branchiootorenal Syndrome (BORS); Branchiootorenal syndrome. Identifiers: Orphanet 107, MedGen C0265234, MONDO:0007029.

Submission:

Labcorp Genetics (formerly Invitae), Labcorp
Classification: Pathogenic for Melnick-Fraser syndrome. Last evaluated: 2017-09-05. Review status: criteria provided, single submitter. Criteria: Invitae Variant Classification Sherloc (09022015). Collection method: clinical testing. Allele origin: germline.
Comment: This sequence change creates a premature translational stop signal (p.Ser338Cysfs*27) in the EYA1 gene. It is expected to result in an absent or disrupted protein product. This variant is not present in population databases (ExAC no frequency). This variant has not been reported in the literature in individuals with EYA1-related disease. Loss-of-function variants in EYA1 are known to be pathogenic (PMID: 18220287). For these reasons, this variant has been classified as Pathogenic.

Literature cited by the submitters: PubMed 18220287.